The following is an entry in ClinVar:

ClinVar aggregate classification (germline): Uncertain significance (1 of 4 stars; one submission).

Submission:

Labcorp Genetics (formerly Invitae), Labcorp
Classification: Uncertain significance. Last evaluated: 2024-04-26. Review status: criteria provided, single submitter. Criteria: Invitae Variant Classification Sherloc (09022015). Collection method: clinical testing. Allele origin: germline.
Comment: This sequence change replaces leucine, which is neutral and non-polar, with proline, which is neutral and non-polar, at codon 537 of the GUCY2C protein (p.Leu537Pro). This variant is not present in population databases (gnomAD no frequency). This variant has not been reported in the literature in individuals affected with GUCY2C-related conditions. Advanced modeling of protein sequence and biophysical properties (such as structural, functional, and spatial information, amino acid conservation, physicochemical variation, residue mobility, and thermodynamic stability) performed at Invitae indicates that this missense variant is expected to disrupt GUCY2C protein function with a positive predictive value of 80%. In summary, the available evidence is currently insufficient to determine the role of this variant in disease. Therefore, it has been classified as a Variant of Uncertain Significance.

NM_004963.4(GUCY2C):c.1610T>C (p.Leu537Pro)

Gene: GUCY2C (guanylate cyclase 2C; minus strand). Cytogenetic location: 12p12.3.
Variant type: single nucleotide variant.
Coding change: c.1610T>C on transcript NM_004963.4 (MANE Select); coding-DNA position 1610, T replaced by C.
Protein change: p.Leu537Pro; replaces leucine 537 with proline.
Molecular consequence: missense variant.
Genome position (GRCh38, 1-based): chr12:14,651,507, A>G on the plus strand (T>C on the coding strand, the complement: GUCY2C is on the minus strand). VCF-style: chr12-14651507-A-G. GRCh37 (hg19) VCF-style: chr12-14804441-A-G.
Other names: short protein forms L537P.
Identifiers: ClinVar variation 3651276 (VCV003651276.2).